The following is an entry in ClinVar:

NM_015450.3(POT1):c.124G>A (p.Asp42Asn)

Gene: POT1 (protection of telomeres 1; minus strand). Cytogenetic location: 7q31.33.
Variant type: single nucleotide variant.
Coding change: c.124G>A on transcript NM_015450.3 (MANE Select); coding-DNA position 124, G replaced by A.
Protein change: p.Asp42Asn; replaces aspartic acid 42 with asparagine.
Molecular consequence: missense variant. On other transcripts: 5 prime UTR variant (1), non-coding transcript variant (3).
Genome position (GRCh38, 1-based): chr7:124,892,266, C>T on the plus strand (G>A on the coding strand, the complement: POT1 is on the minus strand). VCF-style: chr7-124892266-C-T. GRCh37 (hg19) VCF-style: chr7-124532320-C-T.
Other names: c.-139G>A (NM_001042594.2); c.124G>A (NM_015450.2); short protein forms D42N.
Identifiers: ClinVar variation 1376450 (VCV001376450.9), dbSNP rs1358511734, ClinGen allele CA369065929.
Genomic context (GRCh38, chr7:124,892,266, plus strand): 5'-GTGTTCCTAAATCAATAATGCATTTCCACTCCAAAAAACTCCACCAGTTTTAATACCTAC[C>T]AGTTCCTTTGCTTAGATATGGGGGCTTAAAGAACTTCACAACACCATAGACATTGACAAT-3'
Protein context (NP_056265.2, residues 32-52): FKPPYLSKGT[Asp42Asn]YCSVVTIVDQ

ClinVar aggregate classification (germline): Uncertain significance. Review status: criteria provided, multiple submitters, no conflicts (2 of 4 stars). 2 submissions from 2 submitters: Uncertain significance (2). Last evaluated 2026-02-20.

Conditions:
Hereditary cancer-predisposing syndrome. Also called: Tumor predisposition; Neoplastic Syndromes, Hereditary; Hereditary Cancer Syndrome; Hereditary neoplastic syndrome. Identifiers: Orphanet 140162, MedGen C0027672, MeSH D009386, MONDO:0015356.
Tumor predisposition syndrome 3 (TPDS3). Also called: Melanoma, cutaneous malignant, susceptibility to, 10; Glioma susceptibility 9; LONG TELOMERE SYNDROME, POT1-RELATED; POT1 Tumor Predisposition. Identifiers: Orphanet 618, MedGen C4014476, MONDO:0014368, OMIM 615848.

Submissions (2):

Ambry Genetics
Classification: Uncertain significance for Hereditary cancer-predisposing syndrome. Last evaluated: 2026-02-20. Review status: criteria provided, single submitter. Criteria: Ambry Variant Classification Scheme 2023. Collection method: clinical testing. Allele origin: germline.
Comment: The c.124G>A variant (also known as p.D42N), located in coding exon 2 of the POT1 gene, results from a G to A substitution at nucleotide position 124. The amino acid change results in aspartic acid to asparagine at codon 42, an amino acid with highly similar properties. However, this change occurs in the last base pair of coding exon 2, which makes it likely to have some effect on normal mRNA splicing. This nucleotide position is highly conserved in available vertebrate species. This amino acid position is highly conserved in available vertebrate species. In silico splice site analysis predicts that this alteration will weaken the native splice donor site. In addition, as a missense substitution this is predicted to be tolerated by in silico analysis. Based on the available evidence, the clinical significance of this variant remains unclear.

Labcorp Genetics (formerly Invitae), Labcorp
Classification: Uncertain significance for Tumor predisposition syndrome 3. Last evaluated: 2021-03-02. Review status: criteria provided, single submitter. Criteria: Invitae Variant Classification Sherloc (09022015). Collection method: clinical testing. Allele origin: germline.
Comment: Algorithms developed to predict the effect of missense changes on protein structure and function are either unavailable or do not agree on the potential impact of this missense change (SIFT: "Deleterious"; PolyPhen-2: "Probably Damaging"; Align-GVGD: "Class C0"). This sequence change replaces aspartic acid with asparagine at codon 42 of the POT1 protein (p.Asp42Asn). The aspartic acid residue is highly conserved and there is a small physicochemical difference between aspartic acid and asparagine. This variant is not present in population databases (ExAC no frequency). This variant has not been reported in the literature in individuals with POT1-related conditions. Algorithms developed to predict the effect of sequence changes on RNA splicing suggest that this variant may disrupt the consensus splice site, but this prediction has not been confirmed by published transcriptional studies. In summary, the available evidence is currently insufficient to determine the role of this variant in disease. Therefore, it has been classified as a Variant of Uncertain Significance.